The following is an entry in ClinVar:

NM_000548.5(TSC2):c.2751G>A (p.Arg917=)

Gene: TSC2 (TSC complex subunit 2; plus strand). Cytogenetic location: 16p13.3.
Variant type: single nucleotide variant.
Coding change: c.2751G>A on transcript NM_000548.5 (MANE Select); coding-DNA position 2751, G replaced by A.
Protein change: p.Arg917=; no amino-acid change (arginine 917 retained).
Molecular consequence: synonymous variant.
Genome position (GRCh38, 1-based): chr16:2,076,499, G>A. VCF-style: chr16-2076499-G-A. GRCh37 (hg19) VCF-style: chr16-2126500-G-A.
Other names: c.2751G>A, p.Arg917= (NM_001077183.3, NM_001114382.3, NM_001363528.2 and 3 more transcripts); c.2640G>A, p.Arg880= (NM_001318827.2); c.2604G>A, p.Arg868= (NM_001318829.2); c.2151G>A, p.Arg717= (NM_001318831.2); c.2784G>A, p.Arg928= (NM_001318832.2).
Identifiers: ClinVar variation 507242 (VCV000507242.12), dbSNP rs1555508897, ClinGen allele CA492954244.

ClinVar aggregate classification (germline): Benign/Likely benign. Review status: criteria provided, multiple submitters, no conflicts (2 of 4 stars). 5 submissions from 5 submitters: Benign (2); Likely benign (3). Last evaluated 2026-05-21.

Conditions:
Hereditary cancer-predisposing syndrome. Also called: Tumor predisposition; Hereditary neoplastic syndrome; Neoplastic Syndromes, Hereditary; Hereditary Cancer Syndrome. Identifiers: Orphanet 140162, MedGen C0027672, MeSH D009386, MONDO:0015356.
Tuberous sclerosis 2 (TSC2). Identifiers: Orphanet 805, MedGen C1860707, MONDO:0013199, OMIM 613254.

Submissions (5):

Ambry Genetics
Classification: Likely benign for Hereditary cancer-predisposing syndrome. Last evaluated: 2026-05-21. Review status: criteria provided, single submitter. Criteria: Ambry Variant Classification Scheme 2023. Collection method: clinical testing. Allele origin: germline.

Myriad Genetics, Inc.
Classification: Benign for Tuberous sclerosis 2. Last evaluated: 2025-05-22. Review status: criteria provided, single submitter. Criteria: Myriad Autosomal Dominant, Autosomal Recessive and X-Linked Classification Criteria (2023). Collection method: clinical testing. Allele origin: unknown.
Comment: This variant is considered benign. This variant is a silent/synonymous amino acid change and it is not expected to impact splicing.

Genome-Nilou Lab
Classification: Benign for Tuberous sclerosis 2. Last evaluated: 2021-11-07. Review status: criteria provided, single submitter. Criteria: ACMG Guidelines, 2015. Collection method: clinical testing. Allele origin: germline. Affected: no.

Labcorp Genetics (formerly Invitae), Labcorp
Classification: Likely benign for Tuberous sclerosis 2. Last evaluated: 2021-10-13. Review status: criteria provided, single submitter. Criteria: Invitae Variant Classification Sherloc (09022015). Collection method: clinical testing. Allele origin: germline.

GeneDx
Classification: Likely benign. Last evaluated: 2017-02-01. Review status: criteria provided, single submitter. Criteria: GeneDx Variant Classification (06012015). Collection method: clinical testing. Allele origin: germline. Affected: yes.
Comment: This variant is considered likely benign or benign based on one or more of the following criteria: it is a conservative change, it occurs at a poorly conserved position in the protein, it is predicted to be benign by multiple in silico algorithms, and/or has population frequency not consistent with disease.